The following is an entry in ClinVar:

NM_001429.4(EP300):c.70_71del (p.Ser24fs)

Genes: EP300 (EP300 lysine acetyltransferase; plus strand), LOC130067530 (ATAC-STARR-seq lymphoblastoid active region 19106; plus strand). Cytogenetic location: 22q13.2.
Variant type: Microsatellite.
Coding change: c.70_71del on transcript NM_001429.4 (MANE Select); coding-DNA positions 70 to 71, 2 bases deleted (TC; older notation c.70_71delTC).
Protein change: p.Ser24fs; shifts the reading frame from serine 24.
Molecular consequence: frameshift variant.
Genome position (GRCh38, 1-based): chr22:41,093,074-41,093,075, TC deleted; deleting any 2 consecutive bases within chr22:41,093,071-41,093,075 gives the same sequence; the c. name uses the placement nearest the transcript's 3' end. VCF-style (leftmost placement, unchanged base first): chr22-41093070-CCT-C. GRCh37 (hg19) VCF-style: chr22-41489074-CCT-C.
Other names: c.70_71del, p.Ser24fs (NM_001362843.2); short protein forms S24fs.
Identifiers: ClinVar variation 264649 (VCV000264649.2), dbSNP rs1555902247, ClinGen allele CA645509367.

ClinVar aggregate classification (germline): Pathogenic (1 of 4 stars; one submission).

Conditions:
Rubinstein-Taybi syndrome due to EP300 haploinsufficiency. Also called: EP300-Related Rubinstein-Taybi Syndrome; RUBINSTEIN-TAYBI SYNDROME 2. Identifiers: Orphanet 353284, Orphanet 783, MedGen C3150941, MONDO:0013364, OMIM 613684.

Submission:

Fundacion Rioja Salud, Center for Biomedical Research (CIBIR)
Classification: Pathogenic for Rubinstein-Taybi syndrome due to EP300 haploinsufficiency. Last evaluated: 2016-09-20. Review status: criteria provided, single submitter. Criteria: ACMG Guidelines, 2015. Collection method: research. Allele origin: de novo. Affected: yes.
Comment: Leads to Rubinstein-Taybi syndrome